The following is an entry in ClinVar:

ClinVar aggregate classification (germline): Uncertain significance. Review status: criteria provided, multiple submitters, no conflicts (2 of 4 stars). 2 submissions from 2 submitters: Uncertain significance (2). Last evaluated 2026-05-17.

Conditions:
Primary ciliary dyskinesia. Also called: Ciliary dyskinesia. Identifiers: Orphanet 244, MedGen C0008780, MONDO:0016575, HP:0012265.

Allele frequency attached by ClinVar (database versions not stated): gnomAD exomes 0.00001; ExAC 0.00002; TOPMed 0.00002.
gnomAD v4.1: 15 of 1,614,050 alleles (0.00093%); highest among the groups gnomAD compares: East Asian, 0.031%; no homozygotes.

Submissions (2):

Ambry Genetics
Classification: Uncertain significance for Primary ciliary dyskinesia. Last evaluated: 2026-05-17. Review status: criteria provided, single submitter. Criteria: Ambry Variant Classification Scheme 2023. Collection method: clinical testing. Allele origin: germline.
Comment: The p.P541L variant (also known as c.1622C>T), located in coding exon 1 of the DNAAF2 gene, results from a C to T substitution at nucleotide position 1622. The proline at codon 541 is replaced by leucine, an amino acid with similar properties. This amino acid position is conserved. In addition, this alteration is predicted to be tolerated by in silico analysis. Based on the available evidence, the clinical significance of this variant remains unclear.

Labcorp Genetics (formerly Invitae), Labcorp
Classification: Uncertain significance for Primary ciliary dyskinesia. Last evaluated: 2020-05-04. Review status: criteria provided, single submitter. Criteria: Invitae Variant Classification Sherloc (09022015). Collection method: clinical testing. Allele origin: germline.
Comment: This variant has not been reported in the literature in individuals with DNAAF2-related conditions. In summary, the available evidence is currently insufficient to determine the role of this variant in disease. Therefore, it has been classified as a Variant of Uncertain Significance. Algorithms developed to predict the effect of missense changes on protein structure and function are either unavailable or do not agree on the potential impact of this missense change (SIFT: "Tolerated"; PolyPhen-2: "Probably Damaging"; Align-GVGD: "Class C0"). This variant is present in population databases (rs757899121, ExAC 0.02%). This sequence change replaces proline with leucine at codon 541 of the DNAAF2 protein (p.Pro541Leu). The proline residue is moderately conserved and there is a moderate physicochemical difference between proline and leucine.

NM_018139.3(DNAAF2):c.1622C>T (p.Pro541Leu)

Gene: DNAAF2 (dynein axonemal assembly factor 2; minus strand). Cytogenetic location: 14q21.3.
Variant type: single nucleotide variant.
Coding change: c.1622C>T on transcript NM_018139.3 (MANE Select); coding-DNA position 1622, C replaced by T.
Protein change: p.Pro541Leu; replaces proline 541 with leucine.
Molecular consequence: missense variant. On other transcripts: 5 prime UTR variant (1).
Genome position (GRCh38, 1-based): chr14:49,633,528, G>A on the plus strand (C>T on the coding strand, the complement: DNAAF2 is on the minus strand). VCF-style: chr14-49633528-G-A. GRCh37 (hg19) VCF-style: chr14-50100246-G-A.
Other names: c.1622C>T, p.Pro541Leu (NM_001083908.2); c.-250C>T (NM_001378453.1); c.1622C>T (NM_018139.2); short protein forms P541L.
Identifiers: ClinVar variation 1060641 (VCV001060641.10), dbSNP rs757899121, ClinGen allele CA7172865.